The following is an entry in ClinVar:

NM_018979.4(WNK1):c.*2474A>G

Gene: WNK1 (WNK lysine deficient protein kinase 1; plus strand). Cytogenetic location: 12p13.33.
Variant type: single nucleotide variant.
Coding change: c.*2474A>G on transcript NM_018979.4 (MANE Select); 2474 bases downstream of the stop codon, A replaced by G.
Molecular consequence: 3 prime UTR variant.
Genome position (GRCh38, 1-based): chr12:911,266, A>G. VCF-style: chr12-911266-A-G. GRCh37 (hg19) VCF-style: chr12-1020432-A-G.
Other names: c.*2474A>G (NM_001184985.2, NM_014823.3, NM_213655.5).
Identifiers: ClinVar variation 306731 (VCV000306731.5), dbSNP rs11571496, ClinGen allele CA10638766.

ClinVar aggregate classification (germline): Benign (1 of 4 stars; one submission).

Conditions:
Pseudohypoaldosteronism type 2C (PHA2C). Also called: Pseudohypoaldosteronism Type IIC. Identifiers: Orphanet 757, Orphanet 88940, MedGen C1840391, MONDO:0013778, OMIM 614492.

Allele frequency attached by ClinVar (database versions not stated): gnomAD exomes 0.00090; 1000 Genomes Project 0.00439; 1000 Genomes Project 30x 0.00453; gnomAD 0.00544 and 0.00595; TOPMed 0.00606.
gnomAD v4.1: 1,057 of 398,622 alleles (0.27%); highest among the groups gnomAD compares: African/African-American, 1.9%; 4 homozygotes.

Submission:

Illumina Laboratory Services, Illumina
Classification: Benign for Pseudohypoaldosteronism type 2C. Last evaluated: 2018-01-12. Review status: criteria provided, single submitter. Criteria: ICSL Variant Classification Criteria 13 December 2019. Collection method: clinical testing. Allele origin: germline.
Comment: This variant was observed in the ICSL laboratory as part of a predisposition screen in an ostensibly healthy population. It had not been previously curated by ICSL or reported in the Human Gene Mutation Database (HGMD: prior to June 1st, 2018), and was therefore a candidate for classification through an automated scoring system. Utilizing variant allele frequency, disease prevalence and penetrance estimates, and inheritance mode, an automated score was calculated to assess if this variant is too frequent to cause the disease. Based on the score and internal cut-off values, a variant classified as benign is not then subjected to further curation. The score for this variant resulted in a classification of benign for this disease.